The following is an entry in ClinVar:

NM_000135.4(FANCA):c.1471-21C>T

Gene: FANCA (FA complementation group A; minus strand). Cytogenetic location: 16q24.3.
Variant type: single nucleotide variant.
Coding change: c.1471-21C>T on transcript NM_000135.4 (MANE Select); 21 bases into the intron before coding-DNA position 1471, C replaced by T.
Molecular consequence: intron variant.
Genome position (GRCh38, 1-based): chr16:89,783,123, G>A on the plus strand (C>T on the coding strand, the complement: FANCA is on the minus strand). VCF-style: chr16-89783123-G-A. GRCh37 (hg19) VCF-style: chr16-89849531-G-A.
Other names: c.1471-21C>T (NM_001286167.3).
Identifiers: ClinVar variation 3052288 (VCV003052288.2), dbSNP rs9282683, ClinGen allele CA8252305.

ClinVar aggregate classification (germline): Likely benign (0 of 4 stars; one submission).

Conditions:
FANCA-related disorder. Also called: FANCA-related condition.

Allele frequency attached by ClinVar (database versions not stated): 1000 Genomes Project 30x 0.00016; 1000 Genomes Project 0.00020; gnomAD exomes 0.00023; ExAC 0.00100.
gnomAD v4.1: 346 of 1,577,964 alleles (0.022%); highest among the groups gnomAD compares: Admixed American, 0.5%; 2 homozygotes.

Submission:

PreventionGenetics, part of Exact Sciences
Classification: Likely benign for FANCA-related condition. Last evaluated: 2021-12-28. Review status: no assertion criteria provided. Collection method: clinical testing. Allele origin: germline.
Comment: This variant is classified as likely benign based on ACMG/AMP sequence variant interpretation guidelines (Richards et al. 2015 PMID: 25741868, with internal and published modifications).